The following is an entry in ClinVar:

NM_001369.3(DNAH5):c.4786_4789del (p.Leu1596fs)

Genes: DNAH5 (dynein axonemal heavy chain 5; minus strand), DNAH5-AS1 (DNAH5 antisense RNA 1; plus strand). Cytogenetic location: 5p15.2.
Variant type: Deletion.
Coding change: c.4786_4789del on transcript NM_001369.3 (MANE Select); coding-DNA positions 4786 to 4789, 4 bases deleted (CTGA; older notation c.4786_4789delCTGA).
Protein change: p.Leu1596fs; shifts the reading frame from leucine 1596.
Molecular consequence: frameshift variant.
Genome position (GRCh38, 1-based): chr5:13,862,555-13,862,558, TCAG deleted on the plus strand (CTGA on the coding strand, the reverse complement: DNAH5 is on the minus strand); deleting any 4 consecutive bases within chr5:13,862,555-13,862,559 gives the same sequence; the c. name uses the placement nearest the transcript's 3' end. VCF-style (leftmost placement, unchanged base first): chr5-13862554-CTCAG-C. GRCh37 (hg19) VCF-style: chr5-13862663-CTCAG-C.
Other names: short protein forms L1596fs.
Identifiers: ClinVar variation 1442415 (VCV001442415.6), dbSNP rs2151905556, ClinGen allele CA2573138473.

ClinVar aggregate classification (germline): Pathogenic (1 of 4 stars; one submission).

Conditions:
Primary ciliary dyskinesia. Also called: Ciliary dyskinesia. Identifiers: Orphanet 244, MedGen C0008780, MONDO:0016575, HP:0012265.

Submission:

Labcorp Genetics (formerly Invitae), Labcorp
Classification: Pathogenic for Primary ciliary dyskinesia. Last evaluated: 2021-04-13. Review status: criteria provided, single submitter. Criteria: Invitae Variant Classification Sherloc (09022015). Collection method: clinical testing. Allele origin: germline.
Comment: For these reasons, this variant has been classified as Pathogenic. This variant has not been reported in the literature in individuals with DNAH5-related conditions. This variant is not present in population databases (ExAC no frequency). This sequence change creates a premature translational stop signal (p.Leu1596Alafs*30) in the DNAH5 gene. It is expected to result in an absent or disrupted protein product. Loss-of-function variants in DNAH5 are known to be pathogenic (PMID: 11788826, 16627867).

Literature cited by the submitters: PubMed 11788826; PubMed 16627867.